The following is an entry in ClinVar:

ClinVar aggregate classification (germline): Conflicting classifications of pathogenicity. Review status: criteria provided, conflicting classifications (1 of 4 stars). 5 submissions from 5 submitters: Uncertain significance (4); Likely benign (1). Last evaluated 2023-11-16.

Conditions:
Breast and/or ovarian cancer. Identifiers: MedGen CN221562.
Hereditary cancer-predisposing syndrome. Also called: Hereditary Cancer Syndrome; Neoplastic Syndromes, Hereditary; Tumor predisposition; Hereditary neoplastic syndrome. Identifiers: Orphanet 140162, MedGen C0027672, MeSH D009386, MONDO:0015356.

Submissions (5):

Ambry Genetics
Classification: Uncertain significance for Hereditary cancer-predisposing syndrome. Last evaluated: 2023-11-16. Review status: criteria provided, single submitter. Criteria: Ambry Variant Classification Scheme 2023. Collection method: clinical testing. Allele origin: germline.
Comment: The p.S766R variant (also known as c.2296A>C), located in coding exon 9 of the BRCA1 gene, results from an A to C substitution at nucleotide position 2296. The serine at codon 766 is replaced by arginine, an amino acid with dissimilar properties. This amino acid position is not well conserved in available vertebrate species. In addition, the in silico prediction for this alteration is inconclusive. Since supporting evidence is limited at this time, the clinical significance of this alteration remains unclear.

University of Washington Department of Laboratory Medicine, University of Washington
Classification: Likely benign for Hereditary cancer-predisposing syndrome. Last evaluated: 2023-03-23. Review status: criteria provided, single submitter. Criteria: Dines et al. (Genet Med. 2020). Collection method: curation. Allele origin: germline.
Comment: Missense variant in a coldspot region where missense variants are very unlikely to be pathogenic (PMID:31911673).

BRCA1 coldspot (exon 11 using historical exon numbering). Reclassification based on statistical prior probability

Color Diagnostics, LLC DBA Color Health
Classification: Uncertain significance for Hereditary cancer-predisposing syndrome. Last evaluated: 2022-05-06. Review status: criteria provided, single submitter. Criteria: ACMG Guidelines, 2015. Collection method: clinical testing. Allele origin: germline.
Comment: This missense variant replaces serine with arginine at codon 766 of the BRCA1 protein. Computational prediction is inconclusive regarding the impact of this variant on protein structure and function (internally defined REVEL score threshold 0.5 < inconclusive < 0.7, PMID: 27666373). To our knowledge, functional studies have not been reported for this variant. This variant has not been identified in the general population by the Genome Aggregation Database (gnomAD). The available evidence is insufficient to determine the role of this variant in disease conclusively. Therefore, this variant is classified as a Variant of Uncertain Significance.

CHEO Genetics Diagnostic Laboratory, Children's Hospital of Eastern Ontario
Classification: Uncertain significance for Breast and/or ovarian cancer. Last evaluated: 2021-12-13. Review status: criteria provided, single submitter. Criteria: ACMG Guidelines, 2015. Collection method: clinical testing. Allele origin: germline.

GeneDx
Classification: Uncertain significance. Last evaluated: 2020-11-12. Review status: criteria provided, single submitter. Criteria: GeneDx Variant Classification Process June 2021. Collection method: clinical testing. Allele origin: germline. Affected: yes.
Comment: Has not been previously published as pathogenic or benign to our knowledge; Not observed in large population cohorts (Lek 2016); In silico analysis supports that this missense variant has a deleterious effect on protein structure/function; Also known as c.2415A>C

NM_007294.4(BRCA1):c.2296A>C (p.Ser766Arg)

Gene: BRCA1 (BRCA1 DNA repair associated; minus strand). Cytogenetic location: 17q21.31.
Variant type: single nucleotide variant.
Coding change: c.2296A>C on transcript NM_007294.4 (MANE Select); coding-DNA position 2296, A replaced by C.
Protein change: p.Ser766Arg; replaces serine 766 with arginine.
Molecular consequence: missense variant. On other transcripts: intron variant (137).
Genome position (GRCh38, 1-based): chr17:43,093,235, T>G on the plus strand (A>C on the coding strand, the complement: BRCA1 is on the minus strand). VCF-style: chr17-43093235-T-G. GRCh37 (hg19) VCF-style: chr17-41245252-T-G.
Other names: c.787+1509A>C (NM_001407979.1, NM_001407982.1, NM_001407977.1 and 17 more transcripts); c.2092A>C, p.Ser698Arg (NM_001407874.1, NM_001407875.1); c.2086A>C, p.Ser696Arg (NM_001407881.1, NM_001407882.1, NM_001407884.1 and 13 more transcripts); c.577+1509A>C (NM_001408483.1, NM_001408481.1, NM_001408480.1 and 9 more transcripts); c.709+1509A>C (NM_001408415.1, NM_001408412.1, NM_001408409.1 and 2 more transcripts); c.664+1509A>C (NM_001408442.1, NM_001408426.1, NM_001408436.1 and 12 more transcripts); c.646+1509A>C (NM_001408410.1, NM_001408458.1, NM_001408469.1 and 11 more transcripts); c.2083A>C, p.Ser695Arg (NM_001407894.1, NM_001407895.1, NM_001407896.1 and 9 more transcripts); and 41 more; short protein forms S766R, S719R, S639R, S677R, S695R, S718R, S739R, S638R.
Identifiers: ClinVar variation 481438 (VCV000481438.16), dbSNP rs398122655, ClinGen allele CA10597410.